The following is an entry in ClinVar:

ClinVar aggregate classification (germline): Conflicting classifications of pathogenicity. Review status: criteria provided, conflicting classifications (1 of 4 stars). 2 submissions from 2 submitters: Likely pathogenic (1); Uncertain significance (1). Last evaluated 2024-10-30.

Conditions:
Dyskeratosis congenita. Identifiers: Orphanet 1775, MedGen C0265965, MONDO:0015780.
TERT-related disorder. Also called: TERT-related disorders; TERT-related condition.

Submissions (2):

Blueprint Genetics
Classification: Likely pathogenic for TERT-related disorders. Last evaluated: 2024-10-30. Review status: criteria provided, single submitter. Criteria: ACMG Guidelines, 2015. Collection method: clinical testing. Allele origin: germline. Affected: yes. Observed: 2 variant alleles.

Ambry Genetics
Classification: Uncertain significance for Dyskeratosis congenita. Last evaluated: 2024-09-16. Review status: criteria provided, single submitter. Criteria: Ambry Variant Classification Scheme 2023. Collection method: clinical testing. Allele origin: germline.
Comment: The p.C156Y variant (also known as c.467G>A), located in coding exon 2 of the TERT gene, results from a G to A substitution at nucleotide position 467. The cysteine at codon 156 is replaced by tyrosine, an amino acid with highly dissimilar properties. This amino acid position is conserved. In addition, this alteration is predicted to be deleterious by in silico analysis. Based on the available evidence, the clinical significance of this variant remains unclear.

NM_198253.3(TERT):c.467G>A (p.Cys156Tyr)

Gene: TERT (telomerase reverse transcriptase; minus strand). Cytogenetic location: 5p15.33.
Variant type: single nucleotide variant.
Coding change: c.467G>A on transcript NM_198253.3 (MANE Select); coding-DNA position 467, G replaced by A.
Protein change: p.Cys156Tyr; replaces cysteine 156 with tyrosine.
Molecular consequence: missense variant. On other transcripts: non-coding transcript variant (2).
Genome position (GRCh38, 1-based): chr5:1,294,419, C>T on the plus strand (G>A on the coding strand, the complement: TERT is on the minus strand). VCF-style: chr5-1294419-C-T. GRCh37 (hg19) VCF-style: chr5-1294534-C-T.
Other names: c.467G>A, p.Cys156Tyr (NM_001193376.3); short protein forms C156Y.
Identifiers: ClinVar variation 3455190 (VCV003455190.2).
Genomic context (GRCh38, chr5:1,294,419, plus strand): 5'-TACAGCGGCGGCCCGCACACCTGGTAGGCGCAGCTGGGAGCCACCAGCACAAAGAGCGCG[C>T]AGCGTGCCAGCAGGTGAACCAGCACGTCGTCGCCCACGCGGCGCAGCAGCAGCCCCCACG-3'
Protein context (NP_937983.2, residues 146-166): DDVLVHLLAR[Cys156Tyr]ALFVLVAPSC